The following is an entry in ClinVar:

ClinVar aggregate classification (germline): Uncertain significance. Review status: criteria provided, single submitter (1 of 4 stars). 2 submissions from 2 submitters: Uncertain significance (1). 1 of the submissions does not count toward it. Last evaluated 2023-07-11.

Conditions:
ZNF644-related disorder. Also called: ZNF644-related condition.

Allele frequency attached by ClinVar (database versions not stated): gnomAD exomes 0.00007; ExAC 0.00021; 1000 Genomes Project 30x 0.00031; 1000 Genomes Project 0.00040; gnomAD 0.00090; ESP Exome Variant Server 0.00092; TOPMed 0.00104.
gnomAD v4.1: 246 of 1,613,898 alleles (0.015%); highest among the groups gnomAD compares: African/African-American, 0.28%; no homozygotes.

Submissions (2):

Ambry Genetics
Classification: Uncertain significance. Last evaluated: 2023-07-11. Review status: criteria provided, single submitter. Criteria: Ambry Variant Classification Scheme 2023. Collection method: clinical testing. Allele origin: germline.

PreventionGenetics, part of Exact Sciences
Classification: Likely benign for ZNF644-related condition. Last evaluated: 2020-07-13. Review status: no assertion criteria provided. Collection method: clinical testing. Allele origin: germline. Not counted in ClinVar's aggregate classification.
Comment: This variant is classified as likely benign based on ACMG/AMP sequence variant interpretation guidelines (Richards et al. 2015 PMID: 25741868, with internal and published modifications).

NM_201269.3(ZNF644):c.3290A>G (p.Asn1097Ser)

Gene: ZNF644 (zinc finger protein 644; minus strand). Cytogenetic location: 1p22.2.
Variant type: single nucleotide variant.
Coding change: c.3290A>G on transcript NM_201269.3 (MANE Select); coding-DNA position 3290, A replaced by G.
Protein change: p.Asn1097Ser; replaces asparagine 1097 with serine.
Molecular consequence: missense variant. On other transcripts: intron variant (2).
Genome position (GRCh38, 1-based): chr1:90,937,883, T>C on the plus strand (A>G on the coding strand, the complement: ZNF644 is on the minus strand). VCF-style: chr1-90937883-T-C. GRCh37 (hg19) VCF-style: chr1-91403440-T-C.
Other names: c.23-19729A>G (NM_032186.5, NM_016620.4); short protein forms N1097S.
Identifiers: ClinVar variation 2589874 (VCV002589874.4), dbSNP rs143530344, ClinGen allele CA944845.